The following is an entry in ClinVar:

NM_206933.4(USH2A):c.1573G>A (p.Asp525Asn)

Gene: USH2A (usherin; minus strand). Cytogenetic location: 1q41.
Variant type: single nucleotide variant.
Coding change: c.1573G>A on transcript NM_206933.4 (MANE Select); coding-DNA position 1573, G replaced by A.
Protein change: p.Asp525Asn; replaces aspartic acid 525 with asparagine.
Molecular consequence: missense variant.
Genome position (GRCh38, 1-based): chr1:216,321,954, C>T on the plus strand (G>A on the coding strand, the complement: USH2A is on the minus strand). VCF-style: chr1-216321954-C-T. GRCh37 (hg19) VCF-style: chr1-216495296-C-T.
Other names: c.1573G>A, p.Asp525Asn (NM_007123.6); c.1573G>A (NM_206933.2); short protein forms D525N.
Identifiers: ClinVar variation 1451077 (VCV001451077.7), dbSNP rs375741757, ClinGen allele CA1396467.

ClinVar aggregate classification (germline): Uncertain significance. Review status: criteria provided, multiple submitters, no conflicts (2 of 4 stars). 3 submissions from 3 submitters: Uncertain significance (3). Last evaluated 2025-12-31.

Conditions:
USH2A-related disorder. Also called: USH2A-related disorders; USH2A-related condition. Identifiers: MedGen CN239332.

Allele frequency attached by ClinVar (database versions not stated): gnomAD exomes 0.00002 and 0.00004; TOPMed 0.00002; ExAC 0.00006; ESP Exome Variant Server 0.00008.
gnomAD v4.1: 32 of 1,613,758 alleles (0.002%); highest among the groups gnomAD compares: Admixed American, 0.0083%; no homozygotes.

Submissions (3):

PreventionGenetics, part of Exact Sciences
Classification: Uncertain significance for USH2A-related condition. Last evaluated: 2025-12-31. Review status: criteria provided, single submitter. Criteria: ACMG Guidelines, 2015. Collection method: clinical testing. Allele origin: germline.
Comment: The USH2A c.1573G>A variant is predicted to result in the amino acid substitution p.Asp525Asn. To our knowledge, this variant has not been reported in the literature. This variant is reported in 0.017% of alleles in individuals of Latino descent in gnomAD. At this time, the clinical significance of this variant is uncertain due to the absence of conclusive functional and genetic evidence.

GeneDx
Classification: Uncertain significance. Last evaluated: 2024-02-26. Review status: criteria provided, single submitter. Criteria: GeneDx Variant Classification Process June 2021. Collection method: clinical testing. Allele origin: germline. Affected: yes.
Comment: In silico analysis supports that this missense variant does not alter protein structure/function; Has not been previously published as pathogenic or benign to our knowledge

Labcorp Genetics (formerly Invitae), Labcorp
Classification: Uncertain significance. Last evaluated: 2021-09-02. Review status: criteria provided, single submitter. Criteria: Invitae Variant Classification Sherloc (09022015). Collection method: clinical testing. Allele origin: germline.
Comment: This sequence change replaces aspartic acid with asparagine at codon 525 of the USH2A protein (p.Asp525Asn). The aspartic acid residue is moderately conserved and there is a small physicochemical difference between aspartic acid and asparagine. This variant is present in population databases (rs375741757, ExAC 0.03%). This variant has not been reported in the literature in individuals affected with USH2A-related conditions. Algorithms developed to predict the effect of missense changes on protein structure and function output the following: SIFT: "Tolerated"; PolyPhen-2: "Benign"; Align-GVGD: "Class C0". The asparagine amino acid residue is found in multiple mammalian species, which suggests that this missense change does not adversely affect protein function. In summary, the available evidence is currently insufficient to determine the role of this variant in disease. Therefore, it has been classified as a Variant of Uncertain Significance.